The following is an entry in ClinVar:

NM_007055.4(POLR3A):c.2882G>A (p.Cys961Tyr)

Gene: POLR3A (RNA polymerase III subunit A; minus strand). Cytogenetic location: 10q22.3.
Variant type: single nucleotide variant.
Coding change: c.2882G>A on transcript NM_007055.4 (MANE Select); coding-DNA position 2882, G replaced by A.
Protein change: p.Cys961Tyr; replaces cysteine 961 with tyrosine.
Molecular consequence: missense variant.
Genome position (GRCh38, 1-based): chr10:77,991,073, C>T on the plus strand (G>A on the coding strand, the complement: POLR3A is on the minus strand). VCF-style: chr10-77991073-C-T. GRCh37 (hg19) VCF-style: chr10-79750831-C-T.
Other names: short protein forms C961Y.
Identifiers: ClinVar variation 4975948 (VCV004975948.1).

ClinVar aggregate classification (germline): Uncertain significance (1 of 4 stars; one submission).

gnomAD v4.1: 14 of 1,608,708 alleles (0.00087%); highest among the groups gnomAD compares: Non-Finnish European, 0.0012%; no homozygotes.

Submission:

GeneDx
Classification: Uncertain significance. Last evaluated: 2026-01-31. Review status: criteria provided, single submitter. Criteria: GeneDx Variant Classification Process June 2021. Collection method: clinical testing. Allele origin: germline.
Comment: Not observed at significant frequency in large population cohorts (gnomAD); In silico analysis supports that this missense variant has a deleterious effect on protein structure/function; Has not been previously published as pathogenic or benign to our knowledge